The following is an entry in ClinVar:

NM_001101362.3(KBTBD13):c.644G>A (p.Gly215Glu)

Gene: KBTBD13 (kelch repeat and BTB domain containing 13; plus strand). Cytogenetic location: 15q22.31.
Variant type: single nucleotide variant.
Coding change: c.644G>A on transcript NM_001101362.3 (MANE Select); coding-DNA position 644, G replaced by A.
Protein change: p.Gly215Glu; replaces glycine 215 with glutamic acid.
Molecular consequence: missense variant.
Genome position (GRCh38, 1-based): chr15:65,077,459, G>A. VCF-style: chr15-65077459-G-A. GRCh37 (hg19) VCF-style: chr15-65369797-G-A.
Other names: short protein forms G215E.
Identifiers: ClinVar variation 3654515 (VCV003654515.2).

ClinVar aggregate classification (germline): Uncertain significance (1 of 4 stars; one submission).

Conditions:
Nemaline myopathy 6 (NEM6). Also called: Nemaline myopathy 6, autosomal dominant. Identifiers: Orphanet 171439, MedGen C1836472, MONDO:0012237, OMIM 609273.

Submission:

Labcorp Genetics (formerly Invitae), Labcorp
Classification: Uncertain significance for Nemaline myopathy 6. Last evaluated: 2024-04-13. Review status: criteria provided, single submitter. Criteria: Invitae Variant Classification Sherloc (09022015). Collection method: clinical testing. Allele origin: germline.
Comment: This sequence change replaces glycine, which is neutral and non-polar, with glutamic acid, which is acidic and polar, at codon 215 of the KBTBD13 protein (p.Gly215Glu). This variant is not present in population databases (gnomAD no frequency). This variant has not been reported in the literature in individuals affected with KBTBD13-related conditions. Advanced modeling of protein sequence and biophysical properties (such as structural, functional, and spatial information, amino acid conservation, physicochemical variation, residue mobility, and thermodynamic stability) performed at Invitae indicates that this missense variant is expected to disrupt KBTBD13 protein function with a positive predictive value of 80%. In summary, the available evidence is currently insufficient to determine the role of this variant in disease. Therefore, it has been classified as a Variant of Uncertain Significance.